The following is an entry in ClinVar:

ClinVar aggregate classification (germline): Uncertain significance. Review status: criteria provided, multiple submitters, no conflicts (2 of 4 stars). 2 submissions from 2 submitters: Uncertain significance (2). Last evaluated 2025-12-03.

Conditions:
Hereditary cancer-predisposing syndrome. Also called: Neoplastic Syndromes, Hereditary; Tumor predisposition; Hereditary Cancer Syndrome; Hereditary neoplastic syndrome. Identifiers: Orphanet 140162, MedGen C0027672, MeSH D009386, MONDO:0015356.
Familial cancer of breast. Also called: BREAST CANCER, FAMILIAL; Hereditary breast cancer; hereditary breast carcinoma. Identifiers: Orphanet 227535, MedGen C0346153, MONDO:0016419, OMIM 114480. Disease mechanism: loss of function.

gnomAD v4.1: 1 of 1,612,986 alleles (0.000062%); no homozygotes.

Submissions (2):

Labcorp Genetics (formerly Invitae), Labcorp
Classification: Uncertain significance for Familial cancer of breast. Last evaluated: 2025-12-03. Review status: criteria provided, single submitter. Criteria: Invitae Variant Classification Sherloc (09022015). Collection method: clinical testing. Allele origin: germline.
Comment: This sequence change replaces alanine, which is neutral and non-polar, with threonine, which is neutral and polar, at codon 323 of the PALB2 protein (p.Ala323Thr). This variant is not present in population databases (gnomAD no frequency). This variant has not been reported in the literature in individuals affected with PALB2-related conditions. Invitae Evidence Modeling of protein sequence and biophysical properties (such as structural, functional, and spatial information, amino acid conservation, physicochemical variation, residue mobility, and thermodynamic stability) indicates that this missense variant is not expected to disrupt PALB2 protein function with a negative predictive value of 80%. In summary, the available evidence is currently insufficient to determine the role of this variant in disease. Therefore, it has been classified as a Variant of Uncertain Significance.

Ambry Genetics
Classification: Uncertain significance for Hereditary cancer-predisposing syndrome. Last evaluated: 2025-11-24. Review status: criteria provided, single submitter. Criteria: Ambry Variant Classification Scheme 2023. Collection method: clinical testing. Allele origin: germline.
Comment: The p.A323T variant (also known as c.967G>A), located in coding exon 4 of the PALB2 gene, results from a G to A substitution at nucleotide position 967. The alanine at codon 323 is replaced by threonine, an amino acid with similar properties. This amino acid position is conserved. In addition, this alteration is predicted to be tolerated by in silico analysis. Based on the available evidence, the clinical significance of this variant remains unclear.

NM_024675.4(PALB2):c.967G>A (p.Ala323Thr)

Gene: PALB2 (partner and localizer of BRCA2; minus strand). Cytogenetic location: 16p12.2.
Variant type: single nucleotide variant.
Coding change: c.967G>A on transcript NM_024675.4 (MANE Select); coding-DNA position 967, G replaced by A.
Protein change: p.Ala323Thr; replaces alanine 323 with threonine.
Molecular consequence: missense variant. On other transcripts: intron variant (3).
Genome position (GRCh38, 1-based): chr16:23,635,579, C>T on the plus strand (G>A on the coding strand, the complement: PALB2 is on the minus strand). VCF-style: chr16-23635579-C-T. GRCh37 (hg19) VCF-style: chr16-23646900-C-T.
Other names: c.907G>A, p.Ala303Thr (NM_001407296.1); c.967G>A, p.Ala323Thr (NM_001407297.1, NM_001407298.1, NM_001407299.1 and 3 more transcripts); c.82G>A, p.Ala28Thr (NM_001407304.1, NM_001407305.1, NM_001407306.1 and 5 more transcripts); c.48+5531G>A (NM_001407314.1); c.-104-5110G>A (NM_001407313.1, NM_001407312.1); short protein forms A303T, A28T, A323T.
Identifiers: ClinVar variation 4664129 (VCV004664129.2).